The following is an entry in ClinVar:

NM_194277.3(FRMD7):c.1934A>C (p.Tyr645Ser)

Gene: FRMD7 (FERM domain containing 7; minus strand). Cytogenetic location: Xq26.2.
Variant type: single nucleotide variant.
Coding change: c.1934A>C on transcript NM_194277.3 (MANE Select); coding-DNA position 1934, A replaced by C.
Protein change: p.Tyr645Ser; replaces tyrosine 645 with serine.
Molecular consequence: missense variant.
Genome position (GRCh38, 1-based): chrX:132,078,083, T>G on the plus strand (A>C on the coding strand, the complement: FRMD7 is on the minus strand). VCF-style: chrX-132078083-T-G. GRCh37 (hg19) VCF-style: chrX-131212111-T-G.
Other names: c.1889A>C, p.Tyr630Ser (NM_001306193.2); short protein forms Y630S, Y645S.
Identifiers: ClinVar variation 3691658 (VCV003691658.2).

ClinVar aggregate classification (germline): Uncertain significance (1 of 4 stars; one submission).

gnomAD v4.1: 3 of 1,209,930 alleles (0.00025%); highest among the groups gnomAD compares: Non-Finnish European, 0.00034%; no homozygotes.

Submission:

Labcorp Genetics (formerly Invitae), Labcorp
Classification: Uncertain significance. Last evaluated: 2024-08-12. Review status: criteria provided, single submitter. Criteria: Invitae Variant Classification Sherloc (09022015). Collection method: clinical testing. Allele origin: germline.
Comment: This sequence change replaces tyrosine, which is neutral and polar, with serine, which is neutral and polar, at codon 645 of the FRMD7 protein (p.Tyr645Ser). This variant is not present in population databases (gnomAD no frequency). This variant has not been reported in the literature in individuals affected with FRMD7-related conditions. An algorithm developed to predict the effect of missense changes on protein structure and function (PolyPhen-2) suggests that this variant is likely to be tolerated. In summary, the available evidence is currently insufficient to determine the role of this variant in disease. Therefore, it has been classified as a Variant of Uncertain Significance.